The following is an entry in ClinVar:

NM_000440.3(PDE6A):c.936A>T (p.Glu312Asp)

Gene: PDE6A (phosphodiesterase 6A; minus strand). Cytogenetic location: 5q32.
Variant type: single nucleotide variant.
Coding change: c.936A>T on transcript NM_000440.3 (MANE Select); coding-DNA position 936, A replaced by T.
Protein change: p.Glu312Asp; replaces glutamic acid 312 with aspartic acid.
Molecular consequence: missense variant.
Genome position (GRCh38, 1-based): chr5:149,915,005, T>A on the plus strand (A>T on the coding strand, the complement: PDE6A is on the minus strand). VCF-style: chr5-149915005-T-A. GRCh37 (hg19) VCF-style: chr5-149294568-T-A.
Other names: short protein forms E312D.
Identifiers: ClinVar variation 1310319 (VCV001310319.2), dbSNP rs2113628643, ClinGen allele CA361699299.

ClinVar aggregate classification (germline): Uncertain significance (1 of 4 stars; one submission).

Allele frequency attached by ClinVar (database versions not stated): gnomAD exomes below 0.00001.
gnomAD v4.1: 1 of 1,585,052 alleles (0.000063%); highest among the groups gnomAD compares: Non-Finnish European, 0.000087%; no homozygotes.

Submission:

GeneDx
Classification: Uncertain significance. Last evaluated: 2019-11-26. Review status: criteria provided, single submitter. Criteria: GeneDx Variant Classification Process June 2021. Collection method: clinical testing. Allele origin: germline. Affected: yes.
Comment: Not observed in large population cohorts (Lek et al., 2016); In silico analysis, which includes protein predictors and evolutionary conservation, supports that this variant does not alter protein structure/function; Has not been previously published as pathogenic or benign to our knowledge